The following is an entry in ClinVar:

ClinVar aggregate classification (germline): Uncertain significance. Review status: criteria provided, multiple submitters, no conflicts (2 of 4 stars). 3 submissions from 3 submitters: Uncertain significance (3). Last evaluated 2026-08-25.

Conditions:
Inborn genetic diseases. Identifiers: MedGen C0950123, MeSH D030342.

Allele frequency attached by ClinVar (database versions not stated): 1000 Genomes Project 30x 0.00016; ESP Exome Variant Server 0.00023; TOPMed 0.00013; ExAC 0.00008; gnomAD 0.00012; 1000 Genomes Project 0.00020.
gnomAD v4.1: 68 of 1,614,084 alleles (0.0042%); highest among the groups gnomAD compares: African/African-American, 0.023%; no homozygotes.

Submissions (3):

GeneDx
Classification: Uncertain significance. Last evaluated: 2026-08-25. Review status: criteria provided, single submitter. Criteria: GeneDx Variant Classification Process June 2021. Collection method: clinical testing. Allele origin: germline.
Comment: In silico analysis suggests that this missense variant does not alter protein structure/function; Has not been previously published as pathogenic or benign to our knowledge

Ambry Genetics
Classification: Uncertain significance for Inborn genetic diseases. Last evaluated: 2023-11-06. Review status: criteria provided, single submitter. Criteria: Ambry Variant Classification Scheme 2023. Collection method: clinical testing. Allele origin: germline.

Labcorp Genetics (formerly Invitae), Labcorp
Classification: Uncertain significance. Last evaluated: 2022-03-13. Review status: criteria provided, single submitter. Criteria: Invitae Variant Classification Sherloc (09022015). Collection method: clinical testing. Allele origin: germline.
Comment: This sequence change replaces arginine, which is basic and polar, with glutamine, which is neutral and polar, at codon 294 of the ILDR1 protein (p.Arg294Gln). This variant is present in population databases (rs146278176, gnomAD 0.05%). This variant has not been reported in the literature in individuals affected with ILDR1-related conditions. Algorithms developed to predict the effect of missense changes on protein structure and function output the following: SIFT: "Tolerated"; PolyPhen-2: "Probably Damaging"; Align-GVGD: "Class C0". The glutamine amino acid residue is found in multiple mammalian species, which suggests that this missense change does not adversely affect protein function. In summary, the available evidence is currently insufficient to determine the role of this variant in disease. Therefore, it has been classified as a Variant of Uncertain Significance.

NM_001199799.2(ILDR1):c.881G>A (p.Arg294Gln)

Gene: ILDR1 (immunoglobulin like domain containing receptor 1; minus strand). Cytogenetic location: 3q13.33.
Variant type: single nucleotide variant.
Coding change: c.881G>A on transcript NM_001199799.2 (MANE Select); coding-DNA position 881, G replaced by A.
Protein change: p.Arg294Gln; replaces arginine 294 with glutamine.
Molecular consequence: missense variant.
Genome position (GRCh38, 1-based): chr3:121,993,868, C>T on the plus strand (G>A on the coding strand, the complement: ILDR1 is on the minus strand). VCF-style: chr3-121993868-C-T. GRCh37 (hg19) VCF-style: chr3-121712715-C-T.
Other names: c.881G>A (NM_001199799.1); c.614G>A, p.Arg205Gln (NM_001199800.2); c.749G>A, p.Arg250Gln (NM_175924.4); short protein forms R294Q, R205Q, R250Q.
Identifiers: ClinVar variation 2071202 (VCV002071202.4), dbSNP rs146278176, ClinGen allele CA2568799.
Genomic context (GRCh38, chr3:121,993,868, plus strand): 5'-CAGGGATGGCCAAATCTGCCTTTGAGGTCAGGGGGCAGAGGCTGGGCCAGGTTGAGGTTC[C>T]GCAGTTCTTTCTCCAAATACTCCAGGACACCATTGGCGATGGGAGGCTGATTGGTGGTCT-3'
Protein context (NP_001186728.1, residues 284-304): GVLEYLEKEL[Arg294Gln]NLNLAQPLPP